The following is an entry in ClinVar:

ClinVar aggregate classification (germline): Uncertain significance. Review status: criteria provided, multiple submitters, no conflicts (2 of 4 stars). 3 submissions from 3 submitters: Uncertain significance (3). Last evaluated 2026-08-24.

Conditions:
Cardiac arrhythmia, ankyrin-B-related. Also called: ANKYRIN-B SYNDROME. Identifiers: Orphanet 101016, Orphanet 768, MedGen C1970119, MONDO:0010958, OMIM 600919.
Cardiovascular phenotype. Identifiers: MedGen CN230736.
Long QT syndrome (LQTS). Identifiers: MedGen C0023976, MeSH D008133, MONDO:0002442. Disease mechanism: loss of function. Inheritance: Various modes of inheritance.

Allele frequency attached by ClinVar (database versions not stated): gnomAD exomes below 0.00001.
gnomAD v4.1: 1 of 1,614,094 alleles (0.000062%); highest among the groups gnomAD compares: Non-Finnish European, 0.000085%; no homozygotes.

Submissions (3):

Ambry Genetics
Classification: Uncertain significance for Cardiovascular phenotype. Last evaluated: 2026-08-24. Review status: criteria provided, single submitter. Criteria: Ambry Variant Classification Scheme 2023. Collection method: clinical testing. Allele origin: germline.
Comment: The p.V2981A variant (also known as c.8942T>C), located in coding exon 38 of the ANK2 gene, results from a T to C substitution at nucleotide position 8942. The valine at codon 2981 is replaced by alanine, an amino acid with similar properties. This amino acid position is conserved. In addition, this alteration is predicted to be tolerated by in silico analysis. Based on the available evidence, the clinical significance of this variant remains unclear.

Labcorp Genetics (formerly Invitae), Labcorp
Classification: Uncertain significance for Long QT syndrome. Last evaluated: 2026-01-13. Review status: criteria provided, single submitter. Criteria: Invitae Variant Classification Sherloc (09022015). Collection method: clinical testing. Allele origin: germline.
Comment: This sequence change replaces valine, which is neutral and non-polar, with alanine, which is neutral and non-polar, at codon 2981 of the ANK2 protein (p.Val2981Ala). This variant is not present in population databases (gnomAD no frequency). This variant has not been reported in the literature in individuals affected with ANK2-related conditions. ClinVar contains an entry for this variant (Variation ID: 903029). An algorithm developed to predict the effect of missense changes on protein structure and function outputs the following: PolyPhen-2: "Benign". The alanine amino acid residue is found in multiple mammalian species, which suggests that this missense change does not adversely affect protein function. In summary, the available evidence is currently insufficient to determine the role of this variant in disease. Therefore, it has been classified as a Variant of Uncertain Significance.

Illumina Laboratory Services, Illumina
Classification: Uncertain significance for Cardiac arrhythmia, ankyrin-B-related. Last evaluated: 2018-01-12. Review status: criteria provided, single submitter. Criteria: ICSL Variant Classification Criteria 13 December 2019. Collection method: clinical testing. Allele origin: germline.

NM_001148.6(ANK2):c.8942T>C (p.Val2981Ala)

Gene: ANK2 (ankyrin 2; plus strand). Cytogenetic location: 4q26.
Variant type: single nucleotide variant.
Coding change: c.8942T>C on transcript NM_001148.6 (MANE Select); coding-DNA position 8942, T replaced by C.
Protein change: p.Val2981Ala; replaces valine 2981 with alanine.
Molecular consequence: missense variant. On other transcripts: intron variant (68).
Genome position (GRCh38, 1-based): chr4:113,357,560, T>C. VCF-style: chr4-113357560-T-C. GRCh37 (hg19) VCF-style: chr4-114278716-T-C.
Other names: c.8708T>C, p.Val2903Ala (NM_001386142.1); c.5342T>C, p.Val1781Ala (NM_001386166.1); c.9083T>C, p.Val3028Ala (NM_001386174.1); c.9059T>C, p.Val3020Ala (NM_001386175.1); c.4412-3263T>C (NM_001386186.2, NM_001386148.2); c.4214-3263T>C (NM_001354269.3); c.4292-3263T>C (NM_001386187.2); c.4253-3263T>C (NM_001386147.1); and 35 more; short protein forms V2981A, V1781A, V2903A, V3020A, V3028A.
Identifiers: ClinVar variation 903029 (VCV000903029.10), dbSNP rs2095873512, ClinGen allele CA357935932.